The following is an entry in ClinVar:

ClinVar aggregate classification (germline): Likely pathogenic (1 of 4 stars; one submission).

Conditions:
Fabry disease. Also called: ALPHA-GALACTOSIDASE A DEFICIENCY; ANDERSON-FABRY DISEASE; CERAMIDE TRIHEXOSIDASE DEFICIENCY; GLA DEFICIENCY; HEREDITARY DYSTOPIC LIPIDOSIS; Angiokeratoma corporis diffusum. Identifiers: Orphanet 324, MedGen C0002986, MONDO:0010526, OMIM 301500, HP:0001071. Disease mechanism: Fabry disease is due to inactivating mutations in the X-linked GLA gene resulting in deficiency of the enzyme Alpha Galactosidase-A., loss of function.

Submission:

Genomenon, Inc
Classification: Likely pathogenic for Fabry disease. Last evaluated: 2026-09-08. Review status: criteria provided, single submitter. Criteria: Genomenon Sequence Variant Interpretation Standards - Updated. Collection method: curation. Allele origin: germline. Affected: yes.
Comment: GLA p.Ile384Asn (c.1151T>A) is a missense variant that changes the amino acid at codon 384 from Isoleucine to Asparagine. This variant has been observed in at least one proband with clinical features consistent with Fabry disease (PMID:40784937;38374995;30159316;12175777). At least one functional study has demonstrated a substantial alteration in protein function relative to the wild-type (PMID:32023956;27657681). It is absent or not present at a significant frequency in gnomAD. In silico models predict that this variant is possibly or probably damaging. In conclusion, we classify GLA p.Ile384Asn (c.1151T>A) as a likely pathogenic variant.

Literature cited by the submitters: PubMed 40784937; PubMed 38374995; PubMed 30159316; PubMed 12175777; PubMed 32023956; PubMed 27657681.

NM_000169.3(GLA):c.1151T>A (p.Ile384Asn)

Genes: GLA (galactosidase alpha; minus strand), RPL36A-HNRNPH2 (RPL36A-HNRNPH2 readthrough; plus strand). Cytogenetic location: Xq22.1.
Variant type: single nucleotide variant.
Coding change: c.1151T>A on transcript NM_000169.3 (MANE Select); coding-DNA position 1151, T replaced by A.
Protein change: p.Ile384Asn; replaces isoleucine 384 with asparagine.
Molecular consequence: missense variant. On other transcripts: non-coding transcript variant (3), intron variant (2).
Genome position (GRCh38, 1-based): chrX:101,397,948, A>T on the plus strand (T>A on the coding strand, the complement: GLA is on the minus strand). VCF-style: chrX-101397948-A-T. GRCh37 (hg19) VCF-style: chrX-100652936-A-T.
Other names: c.1274T>A, p.Ile425Asn (NM_001406747.1); c.300+2491A>T (NM_001199973.2); c.177+6126A>T (NM_001199974.2); short protein forms I384N, I425N.
Identifiers: ClinVar variation 4087648 (VCV004087648.2).